The following is an entry in ClinVar:

NM_003839.4(TNFRSF11A):c.1244C>G (p.Pro415Arg)

Gene: TNFRSF11A (TNF receptor superfamily member 11a; plus strand). Cytogenetic location: 18q21.33.
Variant type: single nucleotide variant.
Coding change: c.1244C>G on transcript NM_003839.4 (MANE Select); coding-DNA position 1244, C replaced by G.
Protein change: p.Pro415Arg; replaces proline 415 with arginine.
Molecular consequence: missense variant. On other transcripts: intron variant (3).
Genome position (GRCh38, 1-based): chr18:62,369,161, C>G. VCF-style: chr18-62369161-C-G. GRCh37 (hg19) VCF-style: chr18-60036394-C-G.
Other names: c.783+2401C>G (NM_001270949.2); c.730+7368C>G (NM_001270950.2); c.616+9112C>G (NM_001270951.2); c.1202C>G, p.Pro401Arg (NM_001278268.2); short protein forms P401R, P415R.
Identifiers: ClinVar variation 2135441 (VCV002135441.4), dbSNP rs759899442, ClinGen allele CA301704245.

ClinVar aggregate classification (germline): Uncertain significance (1 of 4 stars; one submission).

Allele frequency attached by ClinVar (database versions not stated): gnomAD exomes below 0.00001.
gnomAD v4.1: 3 of 1,614,126 alleles (0.00019%); highest among the groups gnomAD compares: Non-Finnish European, 0.00025%; no homozygotes.

Submission:

Labcorp Genetics (formerly Invitae), Labcorp
Classification: Uncertain significance. Last evaluated: 2024-11-25. Review status: criteria provided, single submitter. Criteria: Invitae Variant Classification Sherloc (09022015). Collection method: clinical testing. Allele origin: germline.
Comment: This sequence change replaces proline, which is neutral and non-polar, with arginine, which is basic and polar, at codon 415 of the TNFRSF11A protein (p.Pro415Arg). This variant is not present in population databases (gnomAD no frequency). This variant has not been reported in the literature in individuals affected with TNFRSF11A-related conditions. ClinVar contains an entry for this variant (Variation ID: 2135441). An algorithm developed to predict the effect of missense changes on protein structure and function (PolyPhen-2) suggests that this variant is likely to be disruptive. In summary, the available evidence is currently insufficient to determine the role of this variant in disease. Therefore, it has been classified as a Variant of Uncertain Significance.